The following is an entry in ClinVar:

ClinVar aggregate classification (germline): Uncertain significance (1 of 4 stars; one submission).

gnomAD v4.1: 8 of 1,564,808 alleles (0.00051%); highest among the groups gnomAD compares: Non-Finnish European, 0.00061%; no homozygotes.

Submission:

Labcorp Genetics (formerly Invitae), Labcorp
Classification: Uncertain significance. Last evaluated: 2024-12-26. Review status: criteria provided, single submitter. Criteria: Invitae Variant Classification Sherloc (09022015). Collection method: clinical testing. Allele origin: germline.
Comment: This sequence change replaces alanine, which is neutral and non-polar, with valine, which is neutral and non-polar, at codon 172 of the SRP54 protein (p.Ala172Val). This variant is not present in population databases (gnomAD no frequency). This variant has not been reported in the literature in individuals affected with SRP54-related conditions. This missense change has been observed in at least one individual who was not affected with SRP54-related conditions (internal data). Invitae Evidence Modeling of protein sequence and biophysical properties (such as structural, functional, and spatial information, amino acid conservation, physicochemical variation, residue mobility, and thermodynamic stability) has been performed for this missense variant. However, the output from this modeling did not meet the statistical confidence thresholds required to predict the impact of this variant on SRP54 protein function. In summary, the available evidence is currently insufficient to determine the role of this variant in disease. Therefore, it has been classified as a Variant of Uncertain Significance.

NM_003136.4(SRP54):c.515C>T (p.Ala172Val)

Gene: SRP54 (signal recognition particle 54; plus strand). Cytogenetic location: 14q13.2.
Variant type: single nucleotide variant.
Coding change: c.515C>T on transcript NM_003136.4 (MANE Select); coding-DNA position 515, C replaced by T.
Protein change: p.Ala172Val; replaces alanine 172 with valine.
Molecular consequence: missense variant.
Genome position (GRCh38, 1-based): chr14:35,011,538, C>T. VCF-style: chr14-35011538-C-T. GRCh37 (hg19) VCF-style: chr14-35480744-C-T.
Other names: c.368C>T, p.Ala123Val (NM_001146282.2); c.515C>T, p.Ala172Val (NM_001411017.1); short protein forms A123V, A172V.
Identifiers: ClinVar variation 3680790 (VCV003680790.2).